The following is an entry in ClinVar:

ClinVar aggregate classification (germline): Benign/Likely benign. Review status: criteria provided, multiple submitters, no conflicts (2 of 4 stars). 6 submissions from 6 submitters: Benign (1); Likely benign (5). Last evaluated 2025-10-19.

Conditions:
Peutz-Jeghers syndrome (PJS). Also called: POLYPOSIS, HAMARTOMATOUS INTESTINAL; POLYPS-AND-SPOTS SYNDROME; Peutz-Jeghers polyposis; Periorificial lentiginosis syndrome. Identifiers: Orphanet 2869, MedGen C0031269, MeSH D010580, MONDO:0008280, OMIM 175200.
Hereditary cancer-predisposing syndrome. Also called: Hereditary Cancer Syndrome; Hereditary neoplastic syndrome; Tumor predisposition; Neoplastic Syndromes, Hereditary. Identifiers: Orphanet 140162, MedGen C0027672, MeSH D009386, MONDO:0015356.

Allele frequency attached by ClinVar (database versions not stated): TOPMed below 0.00001; gnomAD exomes 0.00002.
gnomAD v4.1: 6 of 1,610,786 alleles (0.00037%); highest among the groups gnomAD compares: Admixed American, 0.0067%; no homozygotes.

Submissions (6):

Labcorp Genetics (formerly Invitae), Labcorp
Classification: Likely benign for Peutz-Jeghers syndrome. Last evaluated: 2025-10-19. Review status: criteria provided, single submitter. Criteria: Invitae Variant Classification Sherloc (09022015). Collection method: clinical testing. Allele origin: germline.

Myriad Genetics, Inc.
Classification: Benign for Peutz-Jeghers syndrome. Last evaluated: 2025-03-28. Review status: criteria provided, single submitter. Criteria: Myriad Autosomal Dominant, Autosomal Recessive and X-Linked Classification Criteria (2023). Collection method: clinical testing. Allele origin: unknown.
Comment: This variant is considered benign. This variant is a silent/synonymous amino acid change and it is not expected to impact splicing.

All of Us Research Program, National Institutes of Health
Classification: Likely benign for Peutz-Jeghers syndrome. Last evaluated: 2023-08-15. Review status: criteria provided, single submitter. Criteria: ACMG Guidelines, 2015. Collection method: clinical testing. Allele origin: germline. Inheritance: Autosomal dominant inheritance. Observed: 2 variant alleles, 2 heterozygotes.
Comment: This study involves interpretation of variants in research participants for the purpose of population health screening. Participant phenotype was not available at the time of variant classification. Additional details can be found in publication PMID: 35346344, PMCID: PMC8962531

KCCC/NGS Laboratory, Kuwait Cancer Control Center
Classification: Likely benign for Peutz-Jeghers syndrome. Last evaluated: 2023-07-07. Review status: criteria provided, single submitter. Criteria: ACMG Guidelines, 2015. Collection method: clinical testing. Allele origin: germline. Affected: yes.

Color Diagnostics, LLC DBA Color Health
Classification: Likely benign for Hereditary cancer-predisposing syndrome. Last evaluated: 2017-02-12. Review status: criteria provided, single submitter. Criteria: ACMG Guidelines, 2015. Collection method: clinical testing. Allele origin: germline.

Ambry Genetics
Classification: Likely benign for Hereditary cancer-predisposing syndrome. Last evaluated: 2015-12-12. Review status: criteria provided, single submitter. Criteria: Ambry Variant Classification Scheme 2023. Collection method: clinical testing. Allele origin: germline.

NM_000455.5(STK11):c.1029C>T (p.Asp343=)

Genes: STK11 (serine/threonine kinase 11; plus strand), LOC130062899 (ATAC-STARR-seq lymphoblastoid active region 13597; plus strand). Cytogenetic location: 19p13.3.
Variant type: single nucleotide variant.
Coding change: c.1029C>T on transcript NM_000455.5 (MANE Select); coding-DNA position 1029, C replaced by T.
Protein change: p.Asp343=; no amino-acid change (aspartic acid 343 retained).
Molecular consequence: synonymous variant.
Genome position (GRCh38, 1-based): chr19:1,223,093, C>T. VCF-style: chr19-1223093-C-T. GRCh37 (hg19) VCF-style: chr19-1223092-C-T.
Identifiers: ClinVar variation 458010 (VCV000458010.23), dbSNP rs1448942333, ClinGen allele CA504707777.